The following is an entry in ClinVar:

ClinVar aggregate classification (germline): Likely benign (0 of 4 stars; one submission).

Conditions:
TRIM24-related disorder. Also called: TRIM24-related condition.

Allele frequency attached by ClinVar (database versions not stated): gnomAD 0.00025; ExAC 0.00026; TOPMed 0.00026; ESP Exome Variant Server 0.00031; gnomAD exomes 0.00032.
gnomAD v4.1: 506 of 1,611,698 alleles (0.031%); highest among the groups gnomAD compares: Non-Finnish European, 0.041%; no homozygotes.

Submission:

PreventionGenetics, part of Exact Sciences
Classification: Likely benign for TRIM24-related condition. Last evaluated: 2023-08-25. Review status: no assertion criteria provided. Collection method: clinical testing. Allele origin: germline.
Comment: This variant is classified as likely benign based on ACMG/AMP sequence variant interpretation guidelines (Richards et al. 2015 PMID: 25741868, with internal and published modifications).

NM_015905.3(TRIM24):c.1254C>T (p.Ile418=)

Gene: TRIM24 (tripartite motif containing 24; plus strand). Cytogenetic location: 7q34.
Variant type: single nucleotide variant.
Coding change: c.1254C>T on transcript NM_015905.3 (MANE Select); coding-DNA position 1254, C replaced by T.
Protein change: p.Ile418=; no amino-acid change (isoleucine 418 retained).
Molecular consequence: synonymous variant.
Genome position (GRCh38, 1-based): chr7:138,551,173, C>T. VCF-style: chr7-138551173-C-T. GRCh37 (hg19) VCF-style: chr7-138235918-C-T.
Other names: c.1254C>T, p.Ile418= (NM_003852.4).
Identifiers: ClinVar variation 3045522 (VCV003045522.2), dbSNP rs149686202, ClinGen allele CA4503290.